The following is an entry in ClinVar:

ClinVar aggregate classification (germline): Benign/Likely benign. Review status: criteria provided, multiple submitters, no conflicts (2 of 4 stars). 8 submissions from 8 submitters: Benign (7); Likely benign (1). Last evaluated 2026-09-01.

Conditions:
Primary ciliary dyskinesia. Also called: Ciliary dyskinesia. Identifiers: Orphanet 244, MedGen C0008780, MONDO:0016575, HP:0012265.
Primary ciliary dyskinesia 7. Also called: CILIARY DYSKINESIA, PRIMARY, 7, WITH OR WITHOUT SITUS INVERSUS. Identifiers: Orphanet 244, MedGen C2678473, MONDO:0012748, OMIM 611884.

Allele frequency attached by ClinVar (database versions not stated): 1000 Genomes Project 0.00399; 1000 Genomes Project 30x 0.00406; TOPMed 0.00597; gnomAD 0.00607 and 0.00610; gnomAD exomes 0.00631 and 0.01040; ExAC 0.00659; ESP Exome Variant Server 0.00828.
gnomAD v4.1: 15,933 of 1,600,906 alleles (1%); highest among the groups gnomAD compares: Non-Finnish European, 1.2%; 123 homozygotes.

Submissions (8):

CeGaT Center for Human Genetics Tuebingen
Classification: Benign. Last evaluated: 2026-09-01. Review status: criteria provided, single submitter. Criteria: CeGaT Center For Human Genetics Tuebingen Variant Classification Criteria Version 2. Collection method: clinical testing. Allele origin: germline. Affected: yes. Observed: 15 variant alleles.
Comment: DNAH11: BS1, BS2

Labcorp Genetics (formerly Invitae), Labcorp
Classification: Benign for Primary ciliary dyskinesia. Last evaluated: 2026-02-02. Review status: criteria provided, single submitter. Criteria: Invitae Variant Classification Sherloc (09022015). Collection method: clinical testing. Allele origin: germline.

Mayo Clinic Laboratories, Mayo Clinic
Classification: Benign. Last evaluated: 2024-11-26. Review status: criteria provided, single submitter. Criteria: ACMG Guidelines, 2015. Collection method: clinical testing. Allele origin: germline. Observed: 2 variant alleles.
Comment: BS1, BS2, BP4, BP7

ARUP Laboratories, Molecular Genetics and Genomics, ARUP Laboratories
Classification: Benign for Primary ciliary dyskinesia 7. Last evaluated: 2022-03-09. Review status: criteria provided, single submitter. Criteria: ARUP Molecular Germline Variant Investigation Process 2021. Collection method: clinical testing. Allele origin: germline.

GeneDx
Classification: Likely benign. Last evaluated: 2021-10-09. Review status: criteria provided, single submitter. Criteria: GeneDx Variant Classification Process June 2021. Collection method: clinical testing. Allele origin: germline. Affected: yes.

Eurofins Ntd Llc (ga)
Classification: Benign. Last evaluated: 2016-05-31. Review status: criteria provided, single submitter. Criteria: EGL Classification Definitions 2015. Collection method: clinical testing. Allele origin: germline. Observed: 1 variant allele, 1 heterozygote.

Laboratory for Molecular Medicine, Mass General Brigham Personalized Medicine
Classification: Benign. Last evaluated: 2013-02-21. Review status: criteria provided, single submitter. Criteria: LMM Criteria. Collection method: clinical testing. Allele origin: germline. Observed: 3 variant alleles.
Comment: 1426-9T>C in intron 7 of DNAH11: This variant is not expected to have clinical s ignificance because it has been identified in 1.1% (86/8132) of European America n chromosomes from a broad population by the NHLBI Exome Sequencing Project (dbSNP rs72655983).

PreventionGenetics, part of Exact Sciences
Classification: Benign. Review status: criteria provided, single submitter. Criteria: ACMG Guidelines, 2015. Collection method: clinical testing. Allele origin: germline.

NM_001277115.2(DNAH11):c.1426-9T>C

Gene: DNAH11 (dynein axonemal heavy chain 11; plus strand). Cytogenetic location: 7p15.3.
Variant type: single nucleotide variant.
Coding change: c.1426-9T>C on transcript NM_001277115.2 (MANE Select); 9 bases into the intron before coding-DNA position 1426, T replaced by C.
Molecular consequence: intron variant.
Genome position (GRCh38, 1-based): chr7:21,571,797, T>C. VCF-style: chr7-21571797-T-C. GRCh37 (hg19) VCF-style: chr7-21611415-T-C.
Other names: p.?.
Identifiers: ClinVar variation 226583 (VCV000226583.52), dbSNP rs72655983, ClinGen allele CA4178983.